The following is an entry in ClinVar:

NM_001042492.3(NF1):c.6949T>A (p.Trp2317Arg)

Gene: NF1 (neurofibromin 1; plus strand). Cytogenetic location: 17q11.2.
Variant type: single nucleotide variant.
Coding change: c.6949T>A on transcript NM_001042492.3 (MANE Select); coding-DNA position 6949, T replaced by A.
Protein change: p.Trp2317Arg; replaces tryptophan 2317 with arginine.
Molecular consequence: missense variant.
Genome position (GRCh38, 1-based): chr17:31,340,532, T>A. VCF-style: chr17-31340532-T-A. GRCh37 (hg19) VCF-style: chr17-29667550-T-A.
Other names: c.6886T>A, p.Trp2296Arg (NM_000267.4); short protein forms W2296R, W2317R.
Identifiers: ClinVar variation 4800800 (VCV004800800.1).

ClinVar aggregate classification (germline): Uncertain significance (1 of 4 stars; one submission).

Conditions:
Neurofibromatosis, type 1 (NF1). Also called: VON RECKLINGHAUSEN DISEASE; Neurofibromatosis, type I; NEUROFIBROMATOSIS, TYPE I, SOMATIC; Peripheral type neurofibromatosis. Identifiers: Orphanet 636, MedGen C0027831, MONDO:0018975, OMIM 162200. Disease mechanism: loss of function.

Submission:

Labcorp Genetics (formerly Invitae), Labcorp
Classification: Uncertain significance for Neurofibromatosis, type 1. Last evaluated: 2025-03-26. Review status: criteria provided, single submitter. Criteria: Invitae Variant Classification Sherloc (09022015). Collection method: clinical testing. Allele origin: germline.
Comment: This sequence change replaces tryptophan, which is neutral and slightly polar, with arginine, which is basic and polar, at codon 2296 of the NF1 protein (p.Trp2296Arg). This variant is not present in population databases (gnomAD no frequency). This variant has not been reported in the literature in individuals affected with NF1-related conditions. Invitae Evidence Modeling of protein sequence and biophysical properties (such as structural, functional, and spatial information, amino acid conservation, physicochemical variation, residue mobility, and thermodynamic stability) indicates that this missense variant is expected to disrupt NF1 protein function with a positive predictive value of 95%. In summary, the available evidence is currently insufficient to determine the role of this variant in disease. Therefore, it has been classified as a Variant of Uncertain Significance.